The following is an entry in ClinVar:

NM_001361.5(DHODH):c.1021G>A (p.Ala341Thr)

Genes: DHODH (dihydroorotate dehydrogenase (quinone); plus strand), LOC126862390 (MED14-independent group 3 enhancer GRCh37_chr16:72057307-72058506; plus strand). Cytogenetic location: 16q22.2.
Variant type: single nucleotide variant.
Coding change: c.1021G>A on transcript NM_001361.5 (MANE Select); coding-DNA position 1021, G replaced by A.
Protein change: p.Ala341Thr; replaces alanine 341 with threonine.
Molecular consequence: missense variant.
Genome position (GRCh38, 1-based): chr16:72,023,521, G>A. VCF-style: chr16-72023521-G-A. GRCh37 (hg19) VCF-style: chr16-72057420-G-A.
Other names: short protein forms A341T.
Identifiers: ClinVar variation 3029631 (VCV003029631.2), dbSNP rs755725567, ClinGen allele CA8158840.

ClinVar aggregate classification (germline): Uncertain significance (0 of 4 stars; one submission).

Conditions:
DHODH-related disorder. Also called: DHODH-related condition.

Allele frequency attached by ClinVar (database versions not stated): TOPMed below 0.00001; gnomAD exomes 0.00001; ExAC 0.00002.
gnomAD v4.1: 10 of 1,614,102 alleles (0.00062%); highest among the groups gnomAD compares: South Asian, 0.0055%; no homozygotes.

Submission:

PreventionGenetics, part of Exact Sciences
Classification: Uncertain significance for DHODH-related condition. Last evaluated: 2024-01-04. Review status: no assertion criteria provided. Collection method: clinical testing. Allele origin: germline.
Comment: The DHODH c.1021G>A variant is predicted to result in the amino acid substitution p.Ala341Thr. To our knowledge, this variant has not been reported in the literature. This variant is reported in 0.0065% of alleles in individuals of South Asian descent in gnomAD. At this time, the clinical significance of this variant is uncertain due to the absence of conclusive functional and genetic evidence.